The following is an entry in ClinVar:

NM_000152.5(GAA):c.259A>C (p.Asn87His)

Gene: GAA (alpha glucosidase; plus strand). Cytogenetic location: 17q25.3.
Variant type: single nucleotide variant.
Coding change: c.259A>C on transcript NM_000152.5 (MANE Select); coding-DNA position 259, A replaced by C.
Protein change: p.Asn87His; replaces asparagine 87 with histidine.
Molecular consequence: missense variant.
Genome position (GRCh38, 1-based): chr17:80,104,845, A>C. VCF-style: chr17-80104845-A-C. GRCh37 (hg19) VCF-style: chr17-78078644-A-C.
Other names: c.259A>C, p.Asn87His (NM_001079803.3, NM_001079804.3, NM_001406741.1 and 1 more transcripts); short protein forms N87H.
Identifiers: ClinVar variation 1979795 (VCV001979795.4), dbSNP rs776261707, ClinGen allele CA8814830.
Genomic context (GRCh38, chr17:80,104,845, plus strand): 5'-GATGCCCAGGCACACCCCGGCCGTCCCAGAGCAGTGCCCACACAGTGCGACGTCCCCCCC[A>C]ACAGCCGCTTCGATTGCGCCCCTGACAAGGCCATCACCCAGGAACAGTGCGAGGCCCGCG-3'
Protein context (NP_000143.2, residues 77-97): AVPTQCDVPP[Asn87His]SRFDCAPDKA

ClinVar aggregate classification (germline): Uncertain significance (1 of 4 stars; one submission).

Conditions:
Glycogen storage disease, type II (IOPD). Also called: POMPE DISEASE, INFANTILE-ONSET; GLYCOGEN STORAGE DISEASE II, INFANTILE-ONSET; ACID ALPHA-GLUCOSIDASE DEFICIENCY, INFANTILE-ONSET; GAA DEFICIENCY, INFANTILE-ONSET; ACID MALTASE DEFICIENCY, INFANTILE-ONSET; Glucosidase acid-1,4-alpha deficiency. Identifiers: Orphanet 365, MedGen C0017921, MONDO:0009290, OMIM 232300.

Allele frequency attached by ClinVar (database versions not stated): gnomAD exomes below 0.00001; ExAC 0.00001.
gnomAD v4.1: 2 of 1,612,696 alleles (0.00012%); highest among the groups gnomAD compares: Non-Finnish European, 0.00017%; no homozygotes.

Submission:

Labcorp Genetics (formerly Invitae), Labcorp
Classification: Uncertain significance for Glycogen storage disease, type II. Last evaluated: 2022-01-16. Review status: criteria provided, single submitter. Criteria: Invitae Variant Classification Sherloc (09022015). Collection method: clinical testing. Allele origin: germline.
Comment: In summary, the available evidence is currently insufficient to determine the role of this variant in disease. Therefore, it has been classified as a Variant of Uncertain Significance. Advanced modeling of protein sequence and biophysical properties (such as structural, functional, and spatial information, amino acid conservation, physicochemical variation, residue mobility, and thermodynamic stability) performed at Invitae indicates that this missense variant is not expected to disrupt GAA protein function. This variant has not been reported in the literature in individuals affected with GAA-related conditions. This variant is present in population databases (rs776261707, gnomAD 0.0009%). This sequence change replaces asparagine, which is neutral and polar, with histidine, which is basic and polar, at codon 87 of the GAA protein (p.Asn87His).